The following is an entry in ClinVar:

NM_001369.3(DNAH5):c.11305A>G (p.Thr3769Ala)

Genes: DNAH5 (dynein axonemal heavy chain 5; minus strand), LOC107457585 (meiotic recombination hotspot J; plus strand). Cytogenetic location: 5p15.2.
Variant type: single nucleotide variant.
Coding change: c.11305A>G on transcript NM_001369.3 (MANE Select); coding-DNA position 11305, A replaced by G.
Protein change: p.Thr3769Ala; replaces threonine 3769 with alanine.
Molecular consequence: missense variant.
Genome position (GRCh38, 1-based): chr5:13,737,402, T>C on the plus strand (A>G on the coding strand, the complement: DNAH5 is on the minus strand). VCF-style: chr5-13737402-T-C. GRCh37 (hg19) VCF-style: chr5-13737511-T-C.
Other names: short protein forms T3769A.
Identifiers: ClinVar variation 1004467 (VCV001004467.10), dbSNP rs1747678431, ClinGen allele CA359228011.

ClinVar aggregate classification (germline): Uncertain significance. Review status: criteria provided, multiple submitters, no conflicts (2 of 4 stars). 2 submissions from 2 submitters: Uncertain significance (2). Last evaluated 2022-05-25.

Conditions:
Primary ciliary dyskinesia. Also called: Ciliary dyskinesia. Identifiers: Orphanet 244, MedGen C0008780, MONDO:0016575, HP:0012265.

Allele frequency attached by ClinVar (database versions not stated): gnomAD exomes below 0.00001.
gnomAD v4.1: 1 of 1,614,194 alleles (0.000062%); highest among the groups gnomAD compares: Non-Finnish European, 0.000085%; no homozygotes.

Submissions (2):

Blueprint Genetics
Classification: Uncertain significance. Last evaluated: 2022-05-25. Review status: criteria provided, single submitter. Criteria: ACMG Guidelines, 2015. Collection method: clinical testing. Allele origin: germline.

Labcorp Genetics (formerly Invitae), Labcorp
Classification: Uncertain significance for Primary ciliary dyskinesia. Last evaluated: 2020-07-21. Review status: criteria provided, single submitter. Criteria: Invitae Variant Classification Sherloc (09022015). Collection method: clinical testing. Allele origin: germline.
Comment: In summary, the available evidence is currently insufficient to determine the role of this variant in disease. Therefore, it has been classified as a Variant of Uncertain Significance. Advanced modeling of protein sequence and biophysical properties (such as structural, functional, and spatial information, amino acid conservation, physicochemical variation, residue mobility, and thermodynamic stability) performed at Invitae indicates that this missense variant is not expected to disrupt DNAH5 protein function. This variant has not been reported in the literature in individuals with DNAH5-related conditions. This variant is not present in population databases (ExAC no frequency). This sequence change replaces threonine with alanine at codon 3769 of the DNAH5 protein (p.Thr3769Ala). The threonine residue is highly conserved and there is a small physicochemical difference between threonine and alanine.